The following is an entry in ClinVar:

NM_000051.4(ATM):c.3872T>G (p.Leu1291Arg)

Gene: ATM (ATM serine/threonine kinase; plus strand). Cytogenetic location: 11q22.3.
Variant type: single nucleotide variant.
Coding change: c.3872T>G on transcript NM_000051.4 (MANE Select); coding-DNA position 3872, T replaced by G.
Protein change: p.Leu1291Arg; replaces leucine 1291 with arginine.
Molecular consequence: missense variant.
Genome position (GRCh38, 1-based): chr11:108,284,352, T>G. VCF-style: chr11-108284352-T-G. GRCh37 (hg19) VCF-style: chr11-108155079-T-G.
Other names: c.3872T>G, p.Leu1291Arg (NM_001351834.2); short protein forms L1291R.
Identifiers: ClinVar variation 485216 (VCV000485216.16), dbSNP rs1555093536, ClinGen allele CA382525375.

ClinVar aggregate classification (germline): Uncertain significance. Review status: criteria provided, multiple submitters, no conflicts (2 of 4 stars). 2 submissions from 2 submitters: Uncertain significance (2). Last evaluated 2024-05-06.

Conditions:
Hereditary cancer-predisposing syndrome. Also called: Hereditary neoplastic syndrome; Neoplastic Syndromes, Hereditary; Tumor predisposition; Hereditary Cancer Syndrome. Identifiers: Orphanet 140162, MedGen C0027672, MeSH D009386, MONDO:0015356.
Ataxia-telangiectasia syndrome (AT). Also called: LOUIS-BAR SYNDROME; Cerebello-oculocutaneous telangiectasia; Immunodeficiency with ataxia telangiectasia; AT, COMPLEMENTATION GROUP C; Ataxia-telangiectasia, complementation group D; ATAXIA-TELANGIECTASIA, COMPLEMENTATION GROUP A. Identifiers: Orphanet 100, MedGen C0004135, MONDO:0008840, OMIM 208900.

Submissions (2):

Labcorp Genetics (formerly Invitae), Labcorp
Classification: Uncertain significance for Ataxia-telangiectasia syndrome. Last evaluated: 2024-05-06. Review status: criteria provided, single submitter. Criteria: Invitae Variant Classification Sherloc (09022015). Collection method: clinical testing. Allele origin: germline.
Comment: This sequence change replaces leucine, which is neutral and non-polar, with arginine, which is basic and polar, at codon 1291 of the ATM protein (p.Leu1291Arg). This variant is not present in population databases (gnomAD no frequency). This variant has not been reported in the literature in individuals affected with ATM-related conditions. ClinVar contains an entry for this variant (Variation ID: 485216). An algorithm developed to predict the effect of missense changes on protein structure and function (PolyPhen-2) suggests that this variant is likely to be disruptive. In summary, the available evidence is currently insufficient to determine the role of this variant in disease. Therefore, it has been classified as a Variant of Uncertain Significance.

Ambry Genetics
Classification: Uncertain significance for Hereditary cancer-predisposing syndrome. Last evaluated: 2024-04-05. Review status: criteria provided, single submitter. Criteria: Ambry Variant Classification Scheme 2023. Collection method: clinical testing. Allele origin: germline.
Comment: The p.L1291R variant (also known as c.3872T>G), located in coding exon 25 of the ATM gene, results from a T to G substitution at nucleotide position 3872. The leucine at codon 1291 is replaced by arginine, an amino acid with dissimilar properties. This amino acid position is not well conserved in available vertebrate species. In addition, this alteration is predicted to be deleterious by in silico analysis. Since supporting evidence is limited at this time, the clinical significance of this alteration remains unclear.